The following is an entry in ClinVar:

ClinVar aggregate classification (germline): Pathogenic (1 of 4 stars; one submission).

Submission:

Labcorp Genetics (formerly Invitae), Labcorp
Classification: Pathogenic. Last evaluated: 2023-08-04. Review status: criteria provided, single submitter. Criteria: Invitae Variant Classification Sherloc (09022015). Collection method: clinical testing. Allele origin: germline.
Comment: This sequence change creates a premature translational stop signal (p.Ser1283Thrfs*4) in the TUBGCP6 gene. It is expected to result in an absent or disrupted protein product. Loss-of-function variants in TUBGCP6 are known to be pathogenic (PMID: 25344692). This variant is present in population databases (rs765535822, gnomAD 0.003%). This variant has not been reported in the literature in individuals affected with TUBGCP6-related conditions. For these reasons, this variant has been classified as Pathogenic.

Literature cited by the submitters: PubMed 25344692.

NM_020461.4(TUBGCP6):c.3847_3848del (p.Ser1283fs)

Gene: TUBGCP6 (tubulin gamma complex component 6; minus strand). Cytogenetic location: 22q13.33.
Variant type: Microsatellite.
Coding change: c.3847_3848del on transcript NM_020461.4 (MANE Select); coding-DNA positions 3847 to 3848, 2 bases deleted (TC; older notation c.3847_3848delTC).
Protein change: p.Ser1283fs; shifts the reading frame from serine 1283.
Molecular consequence: frameshift variant.
Genome position (GRCh38, 1-based): chr22:50,220,511-50,220,512, GA deleted on the plus strand (TC on the coding strand, the reverse complement: TUBGCP6 is on the minus strand); deleting any 2 consecutive bases within chr22:50,220,511-50,220,517 gives the same sequence; the c. name uses the placement nearest the transcript's 3' end. VCF-style (leftmost placement, unchanged base first): chr22-50220510-TGA-T. GRCh37 (hg19) VCF-style: chr22-50658939-TGA-T.
Other names: short protein forms S1283fs.
Identifiers: ClinVar variation 1367488 (VCV001367488.6), dbSNP rs765535822, ClinGen allele CA10307803.